The following is an entry in ClinVar:

ClinVar aggregate classification (germline): Uncertain significance (1 of 4 stars; one submission).

Allele frequency attached by ClinVar (database versions not stated): TOPMed below 0.00001; gnomAD 0.00001; gnomAD exomes 0.00001; ExAC 0.00003.
gnomAD v4.1: 15 of 1,613,632 alleles (0.00093%); highest among the groups gnomAD compares: East Asian, 0.0022%; no homozygotes.

Submission:

Labcorp Genetics (formerly Invitae), Labcorp
Classification: Uncertain significance. Last evaluated: 2024-10-24. Review status: criteria provided, single submitter. Criteria: Invitae Variant Classification Sherloc (09022015). Collection method: clinical testing. Allele origin: germline.
Comment: This sequence change replaces alanine, which is neutral and non-polar, with threonine, which is neutral and polar, at codon 952 of the ADGRB2 protein (p.Ala952Thr). This variant is present in population databases (rs777096177, gnomAD 0.006%). This variant has not been reported in the literature in individuals affected with ADGRB2-related conditions. ClinVar contains an entry for this variant (Variation ID: 1948283). An algorithm developed to predict the effect of missense changes on protein structure and function (PolyPhen-2) suggests that this variant is likely to be disruptive. In summary, the available evidence is currently insufficient to determine the role of this variant in disease. Therefore, it has been classified as a Variant of Uncertain Significance.

NM_001364857.2(ADGRB2):c.2854G>A (p.Ala952Thr)

Gene: ADGRB2 (adhesion G protein-coupled receptor B2; minus strand). Cytogenetic location: 1p35.2.
Variant type: single nucleotide variant.
Coding change: c.2854G>A on transcript NM_001364857.2 (MANE Select); coding-DNA position 2854, G replaced by A.
Protein change: p.Ala952Thr; replaces alanine 952 with threonine.
Molecular consequence: missense variant.
Genome position (GRCh38, 1-based): chr1:31,737,674, C>T on the plus strand (G>A on the coding strand, the complement: ADGRB2 is on the minus strand). VCF-style: chr1-31737674-C-T. GRCh37 (hg19) VCF-style: chr1-32203275-C-T.
Other names: c.2854G>A, p.Ala952Thr (NM_001294335.2, NM_001294336.2, NM_001703.2); short protein forms A952T.
Identifiers: ClinVar variation 1948283 (VCV001948283.5), dbSNP rs777096177, ClinGen allele CA735533.